The following is an entry in ClinVar:

NM_000270.4(PNP):c.4G>C (p.Glu2Gln)

Gene: PNP (purine nucleoside phosphorylase; plus strand). Cytogenetic location: 14q11.2.
Variant type: single nucleotide variant.
Coding change: c.4G>C on transcript NM_000270.4 (MANE Select); coding-DNA position 4, G replaced by C.
Protein change: p.Glu2Gln; replaces glutamic acid 2 with glutamine.
Molecular consequence: missense variant.
Genome position (GRCh38, 1-based): chr14:20,469,528, G>C. VCF-style: chr14-20469528-G-C. GRCh37 (hg19) VCF-style: chr14-20937687-G-C.
Other names: short protein forms E2Q.
Identifiers: ClinVar variation 1006121 (VCV001006121.6), dbSNP rs899827404, ClinGen allele CA257413569.
Genomic context (GRCh38, chr14:20,469,528, plus strand): 5'-ATCGGAGCGGATCGGAGCACACCGGAGCAGGCTCATCGAGAAGGCGTCTGCGAGACCATG[G>C]AGAACGGGTGAGGAGGGCACCAGGCCCGCAGGACCCTTGGGGAGGGGCAGGTGCTGTGAC-3'
Protein context (NP_000261.2, residues 1-12): M[Glu2Gln]NGYTYEDYKN

ClinVar aggregate classification (germline): Uncertain significance (1 of 4 stars; one submission).

Conditions:
Purine-nucleoside phosphorylase deficiency. Also called: Immunodeficiency due to purine nucleoside phosphorylase deficiency; NUCLEOSIDE PHOSPHORYLASE DEFICIENCY. Identifiers: Orphanet 760, MedGen C0268125, MONDO:0013171, OMIM 613179.

Allele frequency attached by ClinVar (database versions not stated): gnomAD exomes below 0.00001 and 0.00001; gnomAD 0.00002; TOPMed 0.00003.
gnomAD v4.1: 5 of 1,553,798 alleles (0.00032%); highest among the groups gnomAD compares: African/African-American, 0.0068%; no homozygotes.

Submission:

Labcorp Genetics (formerly Invitae), Labcorp
Classification: Uncertain significance for Purine-nucleoside phosphorylase deficiency. Last evaluated: 2021-09-01. Review status: criteria provided, single submitter. Criteria: Invitae Variant Classification Sherloc (09022015). Collection method: clinical testing. Allele origin: germline.
Comment: This sequence change replaces glutamic acid with glutamine at codon 2 of the PNP protein (p.Glu2Gln). The glutamic acid residue is weakly conserved and there is a small physicochemical difference between glutamic acid and glutamine. This variant is not present in population databases (ExAC no frequency). This variant has not been reported in the literature in individuals affected with PNP-related conditions. Algorithms developed to predict the effect of missense changes on protein structure and function (SIFT, PolyPhen-2, Align-GVGD) all suggest that this variant is likely to be tolerated. In summary, the available evidence is currently insufficient to determine the role of this variant in disease. Therefore, it has been classified as a Variant of Uncertain Significance.